The following is an entry in ClinVar:

NM_001111125.3(IQSEC2):c.3683C>T (p.Ala1228Val)

Gene: IQSEC2 (IQ motif and Sec7 domain ArfGEF 2; minus strand). Cytogenetic location: Xp11.22.
Variant type: single nucleotide variant.
Coding change: c.3683C>T on transcript NM_001111125.3 (MANE Select); coding-DNA position 3683, C replaced by T.
Protein change: p.Ala1228Val; replaces alanine 1228 with valine.
Molecular consequence: missense variant. On other transcripts: 3 prime UTR variant (1).
Genome position (GRCh38, 1-based): chrX:53,235,003, G>A on the plus strand (C>T on the coding strand, the complement: IQSEC2 is on the minus strand). VCF-style: chrX-53235003-G-A. GRCh37 (hg19) VCF-style: chrX-53264185-G-A.
Other names: c.*168C>T (NM_015075.2); short protein forms A1228V.
Identifiers: ClinVar variation 1362562 (VCV001362562.8), dbSNP rs2147004797, ClinGen allele CA413141484.

ClinVar aggregate classification (germline): Uncertain significance (1 of 4 stars; one submission).

Conditions:
Intellectual developmental disorder, X-linked 1. Also called: Atkin Flaitz Patil Smith syndrome; Intellectual disability, X-linked 1; MENTAL RETARDATION, X-LINKED 18; MENTAL RETARDATION, X-LINKED 78. Identifiers: Orphanet 777, MedGen C2931498, MONDO:0010656, OMIM 309530.

Submission:

Labcorp Genetics (formerly Invitae), Labcorp
Classification: Uncertain significance for Intellectual developmental disorder, X-linked 1. Last evaluated: 2021-02-03. Review status: criteria provided, single submitter. Criteria: Invitae Variant Classification Sherloc (09022015). Collection method: clinical testing. Allele origin: germline.
Comment: In summary, the available evidence is currently insufficient to determine the role of this variant in disease. Therefore, it has been classified as a Variant of Uncertain Significance. Algorithms developed to predict the effect of sequence changes on RNA splicing suggest that this variant may create or strengthen a splice site, but this prediction has not been confirmed by published transcriptional studies. Advanced modeling of protein sequence and biophysical properties (such as structural, functional, and spatial information, amino acid conservation, physicochemical variation, residue mobility, and thermodynamic stability) performed at Invitae indicates that this missense variant is not expected to disrupt IQSEC2 protein function. This variant has not been reported in the literature in individuals with IQSEC2-related conditions. This variant is not present in population databases (ExAC no frequency). This sequence change replaces alanine with valine at codon 1228 of the IQSEC2 protein (p.Ala1228Val). The alanine residue is weakly conserved and there is a small physicochemical difference between alanine and valine.